The following is an entry in ClinVar:

NM_001001548.3(CD36):c.1152A>C (p.Ala384=)

Gene: CD36 (CD36 molecule (CD36 blood group); plus strand). Cytogenetic location: 7q21.11.
Variant type: single nucleotide variant.
Coding change: c.1152A>C on transcript NM_001001548.3 (MANE Select); coding-DNA position 1152, A replaced by C.
Protein change: p.Ala384=; no amino-acid change (alanine 384 retained).
Molecular consequence: synonymous variant. On other transcripts: non-coding transcript variant (1).
Genome position (GRCh38, 1-based): chr7:80,672,796, A>C. VCF-style: chr7-80672796-A-C. GRCh37 (hg19) VCF-style: chr7-80302112-A-C.
Other names: c.1152A>C, p.Ala384= (NM_000072.3, NM_001001547.3, NM_001127443.2 and 5 more transcripts); c.1035A>C, p.Ala345= (NM_001289908.1); c.972A>C, p.Ala324= (NM_001289909.1); c.924A>C, p.Ala308= (NM_001289911.2); c.1050A>C, p.Ala350= (NM_001371079.1); c.687A>C, p.Ala229= (NM_001371080.1, NM_001371081.1).
Identifiers: ClinVar variation 3049270 (VCV003049270.2), dbSNP rs567787470, ClinGen allele CA4315635.

ClinVar aggregate classification (germline): Likely benign (0 of 4 stars; one submission).

Conditions:
CD36-related disorder. Also called: CD36-related disorders; CD36-related condition.

Allele frequency attached by ClinVar (database versions not stated): gnomAD exomes 0.00010; ExAC 0.00048; gnomAD 0.00149; TOPMed 0.00149; 1000 Genomes Project 0.00160; 1000 Genomes Project 30x 0.00172.
gnomAD v4.1: 374 of 1,610,778 alleles (0.023%); highest among the groups gnomAD compares: African/African-American, 0.46%; 1 homozygote.

Submission:

PreventionGenetics, part of Exact Sciences
Classification: Likely benign for CD36-related condition. Last evaluated: 2019-11-26. Review status: no assertion criteria provided. Collection method: clinical testing. Allele origin: germline.
Comment: This variant is classified as likely benign based on ACMG/AMP sequence variant interpretation guidelines (Richards et al. 2015 PMID: 25741868, with internal and published modifications).